The following is an entry in ClinVar:

ClinVar aggregate classification (germline): Uncertain significance (1 of 4 stars; one submission).

Conditions:
Combined immunodeficiency due to MALT1 deficiency. Also called: Immunodeficiency 12. Identifiers: Orphanet 397964, MedGen C3809583, MONDO:0014197, OMIM 615468.

Allele frequency attached by ClinVar (database versions not stated): gnomAD exomes below 0.00001.
gnomAD v4.1: 1 of 1,231,666 alleles (0.000081%); highest among the groups gnomAD compares: Non-Finnish European, 0.0001%; no homozygotes.

Submission:

Labcorp Genetics (formerly Invitae), Labcorp
Classification: Uncertain significance for Combined immunodeficiency due to MALT1 deficiency. Last evaluated: 2020-08-15. Review status: criteria provided, single submitter. Criteria: Invitae Variant Classification Sherloc (09022015). Collection method: clinical testing. Allele origin: germline.
Comment: In summary, the available evidence is currently insufficient to determine the role of this variant in disease. Therefore, it has been classified as a Variant of Uncertain Significance. Algorithms developed to predict the effect of missense changes on protein structure and function are either unavailable or do not agree on the potential impact of this missense change (SIFT: "Deleterious"; PolyPhen-2: "Benign"; Align-GVGD: "Class C0"). This variant has not been reported in the literature in individuals with MALT1-related conditions. The frequency data for this variant in the population databases is considered unreliable, as metrics indicate insufficient coverage at this position in the ExAC database. This sequence change replaces glutamine with arginine at codon 9 of the MALT1 protein (p.Gln9Arg). The glutamine residue is weakly conserved and there is a small physicochemical difference between glutamine and arginine.

NM_006785.4(MALT1):c.26A>G (p.Gln9Arg)

Genes: MALT1 (MALT1 paracaspase; plus strand), MALT1-AS1 (MALT1 antisense RNA 1; minus strand), LOC130062586 (ATAC-STARR-seq lymphoblastoid silent region 9487; plus strand). Cytogenetic location: 18q21.32.
Variant type: single nucleotide variant.
Coding change: c.26A>G on transcript NM_006785.4 (MANE Select); coding-DNA position 26, A replaced by G.
Protein change: p.Gln9Arg; replaces glutamine 9 with arginine.
Molecular consequence: missense variant. On other transcripts: non-coding transcript variant (1).
Genome position (GRCh38, 1-based): chr18:58,671,669, A>G. VCF-style: chr18-58671669-A-G. GRCh37 (hg19) VCF-style: chr18-56338901-A-G.
Other names: c.26A>G, p.Gln9Arg (NM_173844.3); short protein forms Q9R.
Identifiers: ClinVar variation 1055735 (VCV001055735.7), dbSNP rs2144285316, ClinGen allele CA402570563.